The following is an entry in ClinVar:

NM_004924.6(ACTN4):c.2631G>A (p.Glu877=)

Gene: ACTN4 (actinin alpha 4; plus strand). Cytogenetic location: 19q13.2.
Variant type: single nucleotide variant.
Coding change: c.2631G>A on transcript NM_004924.6 (MANE Select); coding-DNA position 2631, G replaced by A.
Protein change: p.Glu877=; no amino-acid change (glutamic acid 877 retained).
Molecular consequence: synonymous variant.
Genome position (GRCh38, 1-based): chr19:38,729,327, G>A. VCF-style: chr19-38729327-G-A. GRCh37 (hg19) VCF-style: chr19-39219967-G-A.
Other names: c.2616G>A, p.Glu872= (NM_001322033.2); c.2631G>A, p.Glu877= (NM_001411143.1).
Identifiers: ClinVar variation 3048713 (VCV003048713.2), dbSNP rs1240492426, ClinGen allele CA507356541.
Genomic context (GRCh38, chr19:38,729,327, plus strand): 5'-GCCCCAGAACTTCATCACAGCTGAGGAGCTGCGGAGAGAGCTGCCCCCCGACCAGGCCGA[G>A]TACTGCATCGCCCGCATGGCGCCATACCAGGGCCCTGACGCCGTGCCCGGTGCCCTCGAC-3'
Protein context (NP_004915.2, residues 867-887): LRRELPPDQA[Glu877=]YCIARMAPYQ

ClinVar aggregate classification (germline): Likely benign (0 of 4 stars; one submission).

Conditions:
ACTN4-related disorder. Also called: ACTN4-related condition.

Allele frequency attached by ClinVar (database versions not stated): TOPMed 0.00001.
gnomAD v4.1: 1 of 1,612,918 alleles (0.000062%); highest among the groups gnomAD compares: Non-Finnish European, 0.000085%; no homozygotes.

Submission:

PreventionGenetics, part of Exact Sciences
Classification: Likely benign for ACTN4-related condition. Last evaluated: 2022-12-08. Review status: no assertion criteria provided. Collection method: clinical testing. Allele origin: germline.
Comment: This variant is classified as likely benign based on ACMG/AMP sequence variant interpretation guidelines (Richards et al. 2015 PMID: 25741868, with internal and published modifications).